The following is an entry in ClinVar:

ClinVar aggregate classification (germline): Likely benign. Review status: criteria provided, multiple submitters, no conflicts (2 of 4 stars). 2 submissions from 2 submitters: Likely benign (2). Last evaluated 2023-07-01.

Allele frequency attached by ClinVar (database versions not stated): gnomAD 0.00003; TOPMed 0.00003; ExAC 0.00004.
gnomAD v4.1: 15 of 1,604,970 alleles (0.00093%); highest among the groups gnomAD compares: African/African-American, 0.008%; no homozygotes.

Submissions (2):

CeGaT Center for Human Genetics Tuebingen
Classification: Likely benign. Last evaluated: 2023-07-01. Review status: criteria provided, single submitter. Criteria: CeGaT Center For Human Genetics Tuebingen Variant Classification Criteria Version 2. Collection method: clinical testing. Allele origin: germline. Affected: yes. Observed: 1 variant allele.
Comment: AHNAK2: BP4

Ambry Genetics
Classification: Likely benign. Last evaluated: 2023-02-10. Review status: criteria provided, single submitter. Criteria: Ambry Variant Classification Scheme 2023. Collection method: clinical testing. Allele origin: germline.

NM_138420.4(AHNAK2):c.16349A>C (p.Asp5450Ala)

Gene: AHNAK2 (AHNAK nucleoprotein 2; minus strand). Cytogenetic location: 14q32.33.
Variant type: single nucleotide variant.
Coding change: c.16349A>C on transcript NM_138420.4 (MANE Select); coding-DNA position 16349, A replaced by C.
Protein change: p.Asp5450Ala; replaces aspartic acid 5450 with alanine.
Molecular consequence: missense variant.
Genome position (GRCh38, 1-based): chr14:104,939,102, T>G on the plus strand (A>C on the coding strand, the complement: AHNAK2 is on the minus strand). VCF-style: chr14-104939102-T-G. GRCh37 (hg19) VCF-style: chr14-105405439-T-G.
Other names: c.16049A>C, p.Asp5350Ala (NM_001350929.2); short protein forms D5450A, D5350A.
Identifiers: ClinVar variation 2482816 (VCV002482816.26), dbSNP rs745529332, ClinGen allele CA7377322.